The following is an entry in ClinVar:

NM_000215.4(JAK3):c.851G>A (p.Gly284Glu)

Gene: JAK3 (Janus kinase 3; minus strand). Cytogenetic location: 19p13.11.
Variant type: single nucleotide variant.
Coding change: c.851G>A on transcript NM_000215.4 (MANE Select); coding-DNA position 851, G replaced by A.
Protein change: p.Gly284Glu; replaces glycine 284 with glutamic acid.
Molecular consequence: missense variant.
Genome position (GRCh38, 1-based): chr19:17,842,326, C>T on the plus strand (G>A on the coding strand, the complement: JAK3 is on the minus strand). VCF-style: chr19-17842326-C-T. GRCh37 (hg19) VCF-style: chr19-17953135-C-T.
Other names: short protein forms G284E.
Identifiers: ClinVar variation 134583 (VCV000134583.1), dbSNP rs587778420, ClinGen allele CA160258.

ClinVar aggregate classification (germline): not provided (0 of 4 stars; one submission).

Allele frequency attached by ClinVar (database versions not stated): TOPMed 0.00002; ExAC below 0.00001.

Submission:

ITMI
No classification provided. Condition: AllHighlyPenetrant. Last evaluated: 2013-09-19. Review status: no classification provided. Collection method: reference population. Allele origin: germline.
Comment: Please see associated publication for description of ethnicities

Literature cited by the submitters: PubMed 24728327.